The following is an entry in ClinVar:

NM_002303.6(LEPR):c.1186C>G (p.Leu396Val)

Gene: LEPR (leptin receptor; plus strand). Cytogenetic location: 1p31.3.
Variant type: single nucleotide variant.
Coding change: c.1186C>G on transcript NM_002303.6 (MANE Select); coding-DNA position 1186, C replaced by G.
Protein change: p.Leu396Val; replaces leucine 396 with valine.
Molecular consequence: missense variant.
Genome position (GRCh38, 1-based): chr1:65,601,583, C>G. VCF-style: chr1-65601583-C-G. GRCh37 (hg19) VCF-style: chr1-66067266-C-G.
Other names: c.1186C>G, p.Leu396Val (NM_001003679.3, NM_001003680.3, NM_001198687.2 and 2 more transcripts); short protein forms L396V.
Identifiers: ClinVar variation 4985451 (VCV004985451.1).
Genomic context (GRCh38, chr1:65,601,583, plus strand): 5'-ATTCCTCAAAGCCAGTATGATGTTGTGAGTGATCATGTTAGCAAAGTTACTTTTTTCAAT[C>G]TGAATGAAACCAAACCTCGAGGAAAGTTTACCTATGATGCAGTGTACTGCTGCAATGAAC-3'
Protein context (NP_002294.2, residues 386-406): DHVSKVTFFN[Leu396Val]NETKPRGKFT

ClinVar aggregate classification (germline): Uncertain significance (1 of 4 stars; one submission).

Conditions:
LEPR-related disorder. Also called: LEPR-related disorders; LEPR-related condition.

gnomAD v4.1: 4 of 1,613,792 alleles (0.00025%); highest among the groups gnomAD compares: African/African-American, 0.0013%; no homozygotes.

Submission:

PreventionGenetics, part of Exact Sciences
Classification: Uncertain significance for LEPR-related condition. Last evaluated: 2025-07-21. Review status: criteria provided, single submitter. Criteria: ACMG Guidelines, 2015. Collection method: clinical testing. Allele origin: germline.
Comment: The LEPR c.1186C>G variant is predicted to result in the amino acid substitution p.Leu396Val. This variant was observed in a cohort of individuals with obesity, and in vitro functional studies showed function similar to wild-type levels (Supplemental Data Set, Shah et al. 2023. PubMed ID: 36864747). This variant is reported in 0.00088% of alleles in individuals of European (Non-Finnish) descent in gnomAD. At this time, the clinical significance of this variant is uncertain due to the absence of conclusive functional and genetic evidence.